The following is an entry in ClinVar:

ClinVar aggregate classification (germline): Pathogenic (1 of 4 stars; one submission).

Conditions:
Bruck syndrome 1 (BRKS1). Also called: ARTHROGRYPOSIS-LIKE DISORDER. Identifiers: Orphanet 1149, Orphanet 2771, MedGen C1850168, MONDO:0009806, OMIM 259450.

Submission:

3billion
Classification: Pathogenic for Bruck syndrome 1. Last evaluated: 2025-01-06. Review status: criteria provided, single submitter. Criteria: ACMG Guidelines, 2015. Collection method: clinical testing. Allele origin: germline. Affected: yes.
Comment: The variant is observed at an extremely low frequency in the gnomAD v4.1.0 dataset (total allele frequency: <0.001%). Predicted Consequence/Location: Frameshift: predicted to result in a loss or disruption of normal protein function through nonsense-mediated decay (NMD) or protein truncation. Multiple pathogenic variants are reported downstream of the variant. Therefore, this variant is classified as Pathogenic according to the recommendation of ACMG/AMP guideline.

NM_021939.4(FKBP10):c.21del (p.Ser8fs)

Gene: FKBP10 (FKBP prolyl isomerase 10; plus strand). Cytogenetic location: 17q21.2.
Variant type: Deletion.
Coding change: c.21del on transcript NM_021939.4 (MANE Select); coding-DNA position 21, one base deleted (C; older notation c.21delC).
Protein change: p.Ser8fs; shifts the reading frame from serine 8.
Molecular consequence: frameshift variant.
Genome position (GRCh38, 1-based): chr17:41,813,055, C deleted; the last of 7 consecutive C bases (chr17:41,813,049-41,813,055); deleting any one gives the same sequence. VCF-style (leftmost placement, unchanged base first): chr17-41813048-GC-G. GRCh37 (hg19) VCF-style: chr17-39969300-GC-G.
Other names: short protein forms S8fs.
Identifiers: ClinVar variation 4291905 (VCV004291905.1).